The following is an entry in ClinVar:

ClinVar aggregate classification (germline): Pathogenic (1 of 4 stars; one submission).

Conditions:
Charcot-Marie-Tooth disease type 2. Also called: Charcot-Marie-Tooth type 2. Identifiers: Orphanet 64746, MedGen C0270914, MONDO:0018993.

Submission:

Labcorp Genetics (formerly Invitae), Labcorp
Classification: Pathogenic for Charcot-Marie-Tooth disease type 2. Last evaluated: 2016-10-10. Review status: criteria provided, single submitter. Criteria: Invitae Variant Classification Sherloc (09022015). Collection method: clinical testing. Allele origin: germline.
Comment: This sequence change is a gross deletion of the genomic region encompassing exons 7-8 of the MFN2 gene. Deletion of MFN2 exons 7-8 has been reported in at least 5 unrelated families with recessive, severe, early-onset axonal neuropathy. In all cases affected individuals were found to be compound heterozygous for a pathogenic missense variant and the exon 7-8 deletion. None of the carrier parents were reported to have symptoms (PMID: 21715711, 26114802). Analysis of mRNA isolated from blood of 2 affected individuals with exons 7-8 deletion shows a shortened transcript that may be susceptible to either nonsense mediated decay or if translated it is expected to result in an out of frame MFN2 protein starting at codon 200 followed by premature truncation (PMID: 21715711). For these reasons, this variant has been classified as Pathogenic.

NM_014874.3(MFN2):c.600-?_816+?del

Gene: MFN2 (mitofusin 2; plus strand). Cytogenetic location: 1p36.22.
Variant type: Deletion.
Coding change: c.600-?_816+?del on transcript NM_014874.3.
Other names: c.600-?_816+?del (LRG_255t1).
Identifiers: ClinVar variation 216110 (VCV000216110.1).